The following is an entry in ClinVar:

NM_001379200.1(TBX1):c.1427C>T (p.Ala476Val)

Gene: TBX1 (T-box transcription factor 1; plus strand). Cytogenetic location: 22q11.21.
Variant type: single nucleotide variant.
Coding change: c.1427C>T on transcript NM_001379200.1 (MANE Select); coding-DNA position 1427, C replaced by T.
Protein change: p.Ala476Val; replaces alanine 476 with valine.
Molecular consequence: missense variant. On other transcripts: intron variant (2).
Genome position (GRCh38, 1-based): chr22:19,766,779, C>T. VCF-style: chr22-19766779-C-T. GRCh37 (hg19) VCF-style: chr22-19754302-C-T.
Other names: c.1400C>T, p.Ala467Val (NM_080647.1); c.1009+777C>T (NM_005992.1, NM_080646.2); short protein forms A467V, A476V.
Identifiers: ClinVar variation 3730016 (VCV003730016.2).

ClinVar aggregate classification (germline): Uncertain significance (1 of 4 stars; one submission).

Conditions:
DiGeorge syndrome. Also called: THIRD AND FOURTH PHARYNGEAL POUCH SYNDROME; Catch22. Identifiers: Orphanet 567, MedGen C0012236, MONDO:0008564, OMIM 188400.

Submission:

Labcorp Genetics (formerly Invitae), Labcorp
Classification: Uncertain significance for DiGeorge syndrome. Last evaluated: 2024-11-13. Review status: criteria provided, single submitter. Criteria: Invitae Variant Classification Sherloc (09022015). Collection method: clinical testing. Allele origin: germline.
Comment: This sequence change replaces alanine, which is neutral and non-polar, with valine, which is neutral and non-polar, at codon 467 of the TBX1 protein (p.Ala467Val). This variant is not present in population databases (gnomAD no frequency). This variant has not been reported in the literature in individuals affected with TBX1-related conditions. An algorithm developed to predict the effect of missense changes on protein structure and function (PolyPhen-2) suggests that this variant is likely to be disruptive. In summary, the available evidence is currently insufficient to determine the role of this variant in disease. Therefore, it has been classified as a Variant of Uncertain Significance.